The following is an entry in ClinVar:

ClinVar aggregate classification (germline): Likely benign. Review status: criteria provided, multiple submitters, no conflicts (2 of 4 stars). 2 submissions from 2 submitters: Likely benign (2). Last evaluated 2025-04-16.

Allele frequency attached by ClinVar (database versions not stated): gnomAD exomes 0.00001.
gnomAD v4.1: 3 of 1,614,014 alleles (0.00019%); highest among the groups gnomAD compares: Admixed American, 0.0017%; no homozygotes.

Submissions (2):

Mayo Clinic Laboratories, Mayo Clinic
Classification: Likely benign. Last evaluated: 2025-04-16. Review status: criteria provided, single submitter. Criteria: ACMG Guidelines, 2015. Collection method: clinical testing. Allele origin: germline. Observed: 1 variant allele.
Comment: BP4, BP7

Labcorp Genetics (formerly Invitae), Labcorp
Classification: Likely benign. Last evaluated: 2023-12-10. Review status: criteria provided, single submitter. Criteria: Invitae Variant Classification Sherloc (09022015). Collection method: clinical testing. Allele origin: germline.

NM_181507.2(HPS5):c.2757A>G (p.Leu919=)

Gene: HPS5 (HPS5 biogenesis of lysosomal organelles complex 2 subunit 2; minus strand). Cytogenetic location: 11p15.1.
Variant type: single nucleotide variant.
Coding change: c.2757A>G on transcript NM_181507.2 (MANE Select); coding-DNA position 2757, A replaced by G.
Protein change: p.Leu919=; no amino-acid change (leucine 919 retained).
Molecular consequence: synonymous variant.
Genome position (GRCh38, 1-based): chr11:18,286,671, T>C on the plus strand (A>G on the coding strand, the complement: HPS5 is on the minus strand). VCF-style: chr11-18286671-T-C. GRCh37 (hg19) VCF-style: chr11-18308218-T-C.
Other names: p.Leu919=; c.2415A>G, p.Leu805= (NM_007216.4, NM_181508.2).
Identifiers: ClinVar variation 2784057 (VCV002784057.4), dbSNP rs1324233418, ClinGen allele CA473370525.